The following is an entry in ClinVar:

ClinVar aggregate classification (germline): Uncertain significance (1 of 4 stars; one submission).

Conditions:
Hypertrophic cardiomyopathy 26. Also called: Cardiomyopathy, familial hypertrophic, 26. Identifiers: Orphanet 75249, MedGen C4310749, MONDO:0014883, OMIM 617047.
Myofibrillar myopathy 5. Also called: Filaminopathy (type); FILAMINOPATHY, AUTOSOMAL DOMINANT. Identifiers: Orphanet 171445, MedGen C1836050, MONDO:0012289, OMIM 609524.
Distal myopathy with posterior leg and anterior hand involvement. Also called: WILLIAMS DISTAL MYOPATHY. Identifiers: Orphanet 63273, MedGen C3279722, MONDO:0013550, OMIM 614065.

gnomAD v4.1: 1 of 1,613,006 alleles (0.000062%); highest among the groups gnomAD compares: Non-Finnish European, 0.000085%; no homozygotes.

Submission:

Labcorp Genetics (formerly Invitae), Labcorp
Classification: Uncertain significance for Distal myopathy with posterior leg and anterior hand involvement; Myofibrillar myopathy 5; Hypertrophic cardiomyopathy 26. Last evaluated: 2025-08-29. Review status: criteria provided, single submitter. Criteria: Invitae Variant Classification Sherloc (09022015). Collection method: clinical testing. Allele origin: germline.
Comment: This sequence change replaces arginine, which is basic and polar, with serine, which is neutral and polar, at codon 2203 of the FLNC protein (p.Arg2203Ser). This variant is not present in population databases (gnomAD no frequency). This variant has not been reported in the literature in individuals affected with FLNC-related conditions. An algorithm developed to predict the effect of missense changes on protein structure and function (PolyPhen-2) suggests that this variant is likely to be tolerated. In summary, the available evidence is currently insufficient to determine the role of this variant in disease. Therefore, it has been classified as a Variant of Uncertain Significance.

NM_001458.5(FLNC):c.6607C>A (p.Arg2203Ser)

Genes: FLNC (filamin C; plus strand), FLNC-AS1 (FLNC antisense RNA 1; minus strand). Cytogenetic location: 7q32.1.
Variant type: single nucleotide variant.
Coding change: c.6607C>A on transcript NM_001458.5 (MANE Select); coding-DNA position 6607, C replaced by A.
Protein change: p.Arg2203Ser; replaces arginine 2203 with serine.
Molecular consequence: missense variant.
Genome position (GRCh38, 1-based): chr7:128,854,096, C>A. VCF-style: chr7-128854096-C-A. GRCh37 (hg19) VCF-style: chr7-128494150-C-A.
Other names: c.6508C>A, p.Arg2170Ser (NM_001127487.2); short protein forms R2170S, R2203S.
Identifiers: ClinVar variation 4812656 (VCV004812656.1).